The following is an entry in ClinVar:

ClinVar aggregate classification (germline): Benign/Likely benign. Review status: criteria provided, multiple submitters, no conflicts (2 of 4 stars). 12 submissions from 12 submitters: Benign (6); Likely benign (6). Last evaluated 2026-04-20.

Conditions:
DICER1-related tumor predisposition. Also called: DICER1 syndrome; DICER1-related pleuropulmonary blastoma cancer predisposition syndrome. Identifiers: Orphanet 284343, MedGen C3839822, MONDO:0100216.
Pleuropulmonary blastoma (PPB). Identifiers: Orphanet 64742, MedGen C1266144, MONDO:0011014, OMIM 601200, HP:0100528.
Hereditary cancer-predisposing syndrome. Also called: Tumor predisposition; Hereditary Cancer Syndrome; Neoplastic Syndromes, Hereditary; Hereditary neoplastic syndrome. Identifiers: Orphanet 140162, MedGen C0027672, MeSH D009386, MONDO:0015356.

Allele frequency attached by ClinVar (database versions not stated): gnomAD exomes 0.00016 and 0.00043; ExAC 0.00054; 1000 Genomes Project 30x 0.00141; gnomAD 0.00147 and 0.00164; 1000 Genomes Project 0.00160; TOPMed 0.00169; ESP Exome Variant Server 0.00215.
gnomAD v4.1: 459 of 1,614,246 alleles (0.028%); highest among the groups gnomAD compares: African/African-American, 0.57%; 1 homozygote.

Submissions (12):

Myriad Genetics, Inc.
Classification: Benign for DICER1-related tumor predisposition. Last evaluated: 2026-04-20. Review status: criteria provided, single submitter. Criteria: Myriad Autosomal Dominant, Autosomal Recessive and X-Linked Classification Criteria (2023). Collection method: clinical testing. Allele origin: unknown.
Comment: This variant is considered benign. This variant is a silent/synonymous amino acid change and it is not expected to impact splicing.

CeGaT Center for Human Genetics Tuebingen
Classification: Likely benign. Last evaluated: 2026-04-01. Review status: criteria provided, single submitter. Criteria: CeGaT Center For Human Genetics Tuebingen Variant Classification Criteria Version 2. Collection method: clinical testing. Allele origin: germline. Affected: yes. Observed: 2 variant alleles.
Comment: DICER1: BP4, BP7, BS1

Labcorp Genetics (formerly Invitae), Labcorp
Classification: Benign for DICER1-related tumor predisposition. Last evaluated: 2026-02-03. Review status: criteria provided, single submitter. Criteria: Invitae Variant Classification Sherloc (09022015). Collection method: clinical testing. Allele origin: germline.

Center for Genomic Medicine, Rigshospitalet, Copenhagen University Hospital
Classification: Likely benign. Last evaluated: 2025-03-04. Review status: criteria provided, single submitter. Criteria: ACMG Guidelines, 2015. Collection method: clinical testing. Allele origin: germline.

KCCC/NGS Laboratory, Kuwait Cancer Control Center
Classification: Benign for Pleuropulmonary blastoma. Last evaluated: 2025-02-01. Review status: criteria provided, single submitter. Criteria: ACMG Guidelines, 2015. Collection method: clinical testing. Allele origin: germline. Affected: no.

Blueprint Genetics
Classification: Likely benign. Last evaluated: 2024-02-19. Review status: criteria provided, single submitter. Criteria: ACMG Guidelines, 2015. Collection method: clinical testing. Allele origin: germline.

Sema4
Classification: Benign for Hereditary cancer-predisposing syndrome. Last evaluated: 2020-11-17. Review status: criteria provided, single submitter. Criteria: Sema4 Curation Guidelines. Collection method: curation. Allele origin: germline.

GeneDx
Classification: Likely benign. Last evaluated: 2020-10-06. Review status: criteria provided, single submitter. Criteria: GeneDx Variant Classification Process June 2021. Collection method: clinical testing. Allele origin: germline. Affected: yes.
Comment: This variant is associated with the following publications: (PMID: 23620094)

Illumina Laboratory Services, Illumina
Classification: Benign for Pleuropulmonary blastoma. Last evaluated: 2018-01-13. Review status: criteria provided, single submitter. Criteria: ICSL Variant Classification Criteria 13 December 2019. Collection method: clinical testing. Allele origin: germline.
Comment: This variant was observed in the ICSL laboratory as part of a predisposition screen in an ostensibly healthy population. It had not been previously curated by ICSL or reported in the Human Gene Mutation Database (HGMD: prior to June 1st, 2018), and was therefore a candidate for classification through an automated scoring system. Utilizing variant allele frequency, disease prevalence and penetrance estimates, and inheritance mode, an automated score was calculated to assess if this variant is too frequent to cause the disease. Based on the score and internal cut-off values, a variant classified as benign is not then subjected to further curation. The score for this variant resulted in a classification of benign for this disease.

PreventionGenetics, part of Exact Sciences
Classification: Benign. Last evaluated: 2017-08-03. Review status: criteria provided, single submitter. Criteria: ACMG Guidelines, 2015. Collection method: clinical testing. Allele origin: germline.

Ambry Genetics
Classification: Likely benign for Hereditary cancer-predisposing syndrome. Last evaluated: 2017-02-10. Review status: criteria provided, single submitter. Criteria: Ambry Variant Classification Scheme 2023. Collection method: clinical testing. Allele origin: germline.

Breakthrough Genomics
Classification: Likely benign. Review status: criteria provided, single submitter. Criteria: ACMG Guidelines, 2015. Collection method: not provided. Allele origin: germline. Inheritance: Autosomal dominant inheritance. Affected: yes.

NM_177438.3(DICER1):c.4515T>C (p.Ser1505=)

Gene: DICER1 (dicer 1, ribonuclease III; minus strand). Cytogenetic location: 14q32.13.
Variant type: single nucleotide variant.
Coding change: c.4515T>C on transcript NM_177438.3 (MANE Select); coding-DNA position 4515, T replaced by C.
Protein change: p.Ser1505=; no amino-acid change (serine 1505 retained).
Molecular consequence: synonymous variant.
Genome position (GRCh38, 1-based): chr14:95,096,405, A>G on the plus strand (T>C on the coding strand, the complement: DICER1 is on the minus strand). VCF-style: chr14-95096405-A-G. GRCh37 (hg19) VCF-style: chr14-95562742-A-G.
Other names: c.4515T>C, p.Ser1505= (NM_001195573.1, NM_001271282.3, NM_001291628.2 and 1 more transcripts).
Identifiers: ClinVar variation 242112 (VCV000242112.35), dbSNP rs141308332, ClinGen allele CA7330835.